The following is an entry in ClinVar:

ClinVar aggregate classification (germline): Pathogenic (1 of 4 stars; one submission).

Conditions:
CHD7-related CHARGE syndrome. Identifiers: MedGen CN380413, MONDO:1010178, OMIM 214800.

Submission:

Molecular Genetics Laboratory, Motol Hospital
Classification: Pathogenic for CHD7-related CHARGE syndrome. Last evaluated: 2025-10-06. Review status: criteria provided, single submitter. Criteria: ACMG Guidelines, 2015. Collection method: clinical testing. Allele origin: de novo. Affected: yes.
Comment: Rare loss-of-function variants in the CHD7 gene are associated with autosomal dominant CHARGE syndrome (MIM:214800). Rare variant not present in the non-Finnish European poulation (gnomAD v4.1.0). The variant is classified as pathogenic.

NM_017780.4(CHD7):c.3801dup (p.Glu1268fs)

Gene: CHD7 (chromodomain helicase DNA binding protein 7; plus strand). Cytogenetic location: 8q12.2.
Variant type: Duplication.
Coding change: c.3801dup on transcript NM_017780.4 (MANE Select); coding-DNA position 3801, one base duplicated (A; older notation c.3801dupA).
Protein change: p.Glu1268fs; shifts the reading frame from glutamic acid 1268.
Molecular consequence: frameshift variant. On other transcripts: intron variant (1).
Genome position (GRCh38, 1-based): chr8:60,836,095, A duplicated; the last of 2 consecutive A bases (chr8:60,836,094-60,836,095); duplicating either gives the same sequence. VCF-style (leftmost placement, unchanged base first): chr8-60836093-G-GA. GRCh37 (hg19) VCF-style: chr8-61748652-G-GA.
Other names: c.1717-26134dup (NM_001316690.1); short protein forms E1268fs.
Identifiers: ClinVar variation 4819309 (VCV004819309.1).